The following is an entry in ClinVar:

NM_001365951.3(KIF1B):c.3688+895C>T

Gene: KIF1B (kinesin family member 1B; plus strand). Cytogenetic location: 1p36.22.
Variant type: single nucleotide variant.
Coding change: c.3688+895C>T on transcript NM_001365951.3 (MANE Select); 895 bases into the intron after coding-DNA position 3688, C replaced by T.
Molecular consequence: intron variant.
Genome position (GRCh38, 1-based): chr1:10,344,182, C>T. VCF-style: chr1-10344182-C-T. GRCh37 (hg19) VCF-style: chr1-10404240-C-T.
Other names: c.3550+895C>T (NM_015074.3); c.3688+895C>T (NM_001365952.1).
Identifiers: ClinVar variation 3257303 (VCV003257303.17).

ClinVar aggregate classification (germline): Likely benign (1 of 4 stars; one submission).

gnomAD v4.1: 329 of 152,308 alleles (0.22%); highest among the groups gnomAD compares: African/African-American, 0.77%; 2 homozygotes.

Submission:

CeGaT Center for Human Genetics Tuebingen
Classification: Likely benign. Last evaluated: 2024-07-01. Review status: criteria provided, single submitter. Criteria: CeGaT Center For Human Genetics Tuebingen Variant Classification Criteria Version 2. Collection method: clinical testing. Allele origin: germline. Affected: yes. Observed: 1 variant allele.
Comment: KIF1B: BS1